The following is an entry in ClinVar:

Conditions:
Breast-ovarian cancer, familial, susceptibility to, 1 (BROVCA1). Also called: BRCA1 Hereditary Breast and Ovarian Cancer; OVARIAN CANCER, SUSCEPTIBILITY TO. Identifiers: Orphanet 145, MedGen C2676676, MONDO:0011450, OMIM 604370. Disease mechanism: loss of function.

Submission:

Brotman Baty Institute, University of Washington
No classification provided (evidence only). Condition: Breast-ovarian cancer, familial 1. Review status: no classification provided. Collection method: in vitro. Allele origin: not applicable. Functional consequence: functionally_normal.
ClinVar note: "not provided" was previously submitted as the classification for the variant. However, the classification appeared to be based only on an observation of functional data so it was converted to no classification on 2025-07-30.

NM_007294.4(BRCA1):c.195G>T (p.Lys65Asn)

Gene: BRCA1 (BRCA1 DNA repair associated; minus strand). Cytogenetic location: 17q21.31.
Variant type: single nucleotide variant.
Coding change: c.195G>T on transcript NM_007294.4 (MANE Select); coding-DNA position 195, G replaced by T.
Protein change: p.Lys65Asn; replaces lysine 65 with asparagine.
Molecular consequence: missense variant.
Genome position (GRCh38, 1-based): chr17:43,106,473, C>A on the plus strand (G>T on the coding strand, the complement: BRCA1 is on the minus strand). VCF-style: chr17-43106473-C-A. GRCh37 (hg19) VCF-style: chr17-41258490-C-A.
Other names: c.195G>T, p.Lys65Asn (NM_001407581.1, NM_001407582.1, NM_001407583.1 and 168 more transcripts); c.54G>T, p.Lys18Asn (NM_001407692.1, NM_001407694.1, NM_001407695.1 and 99 more transcripts); short protein forms K18N, K65N.
Identifiers: ClinVar variation 868270 (VCV000868270.3), dbSNP rs2054775153, ClinGen allele CA10601778.
Genomic context (GRCh38, chr17:43,106,473, plus strand): 5'-ACTGTGGTTGCTTCCAACCTAGCATCATTACCAAATTATATACCTTTTGGTTATATCATT[C>A]TTACATAAAGGACACTGTGAAGGCCCTTTCTTCTGGTTGAGAAGTTTCAGCATGCAAAAT-3'
Protein context (NP_009225.1, residues 55-75): KKGPSQCPLC[Lys65Asn]NDITKRSLQE